The following is an entry in ClinVar:

ClinVar aggregate classification (germline): Uncertain significance. Review status: criteria provided, multiple submitters, no conflicts (2 of 4 stars). 2 submissions from 2 submitters: Uncertain significance (2). Last evaluated 2025-06-12.

Conditions:
Inborn genetic diseases. Identifiers: MedGen C0950123, MeSH D030342.

Allele frequency attached by ClinVar (database versions not stated): gnomAD 0.00006; gnomAD exomes 0.00006; TOPMed 0.00015.
gnomAD v4.1: 86 of 1,377,656 alleles (0.0062%); highest among the groups gnomAD compares: East Asian, 0.03%; no homozygotes.

Submissions (2):

Labcorp Genetics (formerly Invitae), Labcorp
Classification: Uncertain significance. Last evaluated: 2025-06-12. Review status: criteria provided, single submitter. Criteria: Invitae Variant Classification Sherloc (09022015). Collection method: clinical testing. Allele origin: germline.
Comment: This sequence change replaces arginine, which is basic and polar, with tryptophan, which is neutral and slightly polar, at codon 2049 of the LAMA5 protein (p.Arg2049Trp). The frequency data for this variant in the population databases is considered unreliable, as metrics indicate poor data quality at this position in the gnomAD database. This variant has not been reported in the literature in individuals affected with LAMA5-related conditions. ClinVar contains an entry for this variant (Variation ID: 2059298). An algorithm developed to predict the effect of missense changes on protein structure and function (PolyPhen-2) suggests that this variant is likely to be disruptive. In summary, the available evidence is currently insufficient to determine the role of this variant in disease. Therefore, it has been classified as a Variant of Uncertain Significance.

Ambry Genetics
Classification: Uncertain significance for Inborn genetic diseases. Last evaluated: 2025-04-11. Review status: criteria provided, single submitter. Criteria: Ambry Variant Classification Scheme 2023. Collection method: clinical testing. Allele origin: germline.

NM_005560.6(LAMA5):c.6145C>T (p.Arg2049Trp)

Gene: LAMA5 (laminin subunit alpha 5; minus strand). Cytogenetic location: 20q13.33.
Variant type: single nucleotide variant.
Coding change: c.6145C>T on transcript NM_005560.6 (MANE Select); coding-DNA position 6145, C replaced by T.
Protein change: p.Arg2049Trp; replaces arginine 2049 with tryptophan.
Molecular consequence: missense variant.
Genome position (GRCh38, 1-based): chr20:62,322,678, G>A on the plus strand (C>T on the coding strand, the complement: LAMA5 is on the minus strand). VCF-style: chr20-62322678-G-A. GRCh37 (hg19) VCF-style: chr20-60897734-G-A.
Other names: c.6145C>T (NM_005560.3); short protein forms R2049W.
Identifiers: ClinVar variation 2059298 (VCV002059298.4), dbSNP rs779259058, ClinGen allele CA9941876.